The following is an entry in ClinVar:

NM_006231.4(POLE):c.63-14C>T

Gene: POLE (DNA polymerase epsilon, catalytic subunit; minus strand). Cytogenetic location: 12q24.33.
Variant type: single nucleotide variant.
Coding change: c.63-14C>T on transcript NM_006231.4 (MANE Select); 14 bases into the intron before coding-DNA position 63, C replaced by T.
Molecular consequence: intron variant.
Genome position (GRCh38, 1-based): chr12:132,681,293, G>A on the plus strand (C>T on the coding strand, the complement: POLE is on the minus strand). VCF-style: chr12-132681293-G-A. GRCh37 (hg19) VCF-style: chr12-133257879-G-A.
Other names: c.63-14C>T (NM_006231.3).
Identifiers: ClinVar variation 372026 (VCV000372026.12), dbSNP rs373998767, ClinGen allele CA6894456.

ClinVar aggregate classification (germline): Benign/Likely benign. Review status: criteria provided, multiple submitters, no conflicts (2 of 4 stars). 5 submissions from 5 submitters: Benign (1); Likely benign (3). 1 of the submissions does not count toward it. Last evaluated 2026-01-30.

Conditions:
Colorectal cancer, susceptibility to, 12 (CRCS12). Also called: COLORECTAL CANCER, SUSCEPTIBILITY TO, ON CHROMOSOME 12q24. Identifiers: Orphanet 220460, MedGen C3554460, MONDO:0014038, OMIM 615083.

Allele frequency attached by ClinVar (database versions not stated): gnomAD exomes 0.00003 and 0.00007; ExAC 0.00007; ESP Exome Variant Server 0.00038; TOPMed 0.00042; gnomAD 0.00043 and 0.00048.

Submissions (5):

Labcorp Genetics (formerly Invitae), Labcorp
Classification: Benign. Last evaluated: 2026-01-30. Review status: criteria provided, single submitter. Criteria: Invitae Variant Classification Sherloc (09022015). Collection method: clinical testing. Allele origin: germline.

Blueprint Genetics
Classification: Likely benign. Last evaluated: 2024-08-23. Review status: criteria provided, single submitter. Criteria: ACMG Guidelines, 2015. Collection method: clinical testing. Allele origin: germline.

KCCC/NGS Laboratory, Kuwait Cancer Control Center
Classification: Likely benign for Colorectal cancer, susceptibility to, 12. Last evaluated: 2023-07-07. Review status: criteria provided, single submitter. Criteria: ACMG Guidelines, 2015. Collection method: clinical testing. Allele origin: germline. Affected: yes.

GeneDx
Classification: Likely benign. Last evaluated: 2017-08-08. Review status: criteria provided, single submitter. Criteria: GeneDx Variant Classification (06012015). Collection method: clinical testing. Allele origin: germline. Affected: yes.
Comment: This variant is considered likely benign or benign based on one or more of the following criteria: it is a conservative change, it occurs at a poorly conserved position in the protein, it is predicted to be benign by multiple in silico algorithms, and/or has population frequency not consistent with disease.

Counsyl
Classification: Likely benign for Colorectal cancer, susceptibility to, 12. Last evaluated: 2016-10-18. Review status: no assertion criteria provided. Collection method: clinical testing. Allele origin: unknown. Not counted in ClinVar's aggregate classification.